The following is an entry in ClinVar:

ClinVar aggregate classification (germline): Uncertain significance. Review status: criteria provided, multiple submitters, no conflicts (2 of 4 stars). 5 submissions from 5 submitters: Uncertain significance (4). 1 of the submissions does not count toward it. Last evaluated 2025-01-23.

Conditions:
Inborn genetic diseases. Identifiers: MedGen C0950123, MeSH D030342.
Miyoshi muscular dystrophy 1 (MMD1). Identifiers: Orphanet 45448, MedGen C4551973, MONDO:0024545, OMIM 254130.
Autosomal recessive limb-girdle muscular dystrophy type 2B (LGMDR2). Also called: Limb-girdle muscular dystrophy, type 2B; MUSCULAR DYSTROPHY, LIMB-GIRDLE, TYPE 3; Limb-Girdle Muscular Dystrophy Type 2B (LGMD2B); MUSCULAR DYSTROPHY, LIMB-GIRDLE, AUTOSOMAL RECESSIVE 2. Identifiers: Orphanet 268, MedGen C1850889, MONDO:0009676, OMIM 253601.
Distal myopathy with anterior tibial onset. Identifiers: Orphanet 178400, MedGen C1847532, MONDO:0011721, OMIM 606768.
Neuromuscular disease caused by qualitative or quantitative defects of dysferlin. Also called: Qualitative or quantitative defects of dysferlin; Dysferlinopathy. Identifiers: Orphanet 207073, MedGen C2931687, MONDO:0016145.

Allele frequency attached by ClinVar (database versions not stated): ExAC 0.00002; gnomAD exomes 0.00002 and 0.00005; gnomAD 0.00003; TOPMed 0.00004.
gnomAD v4.1: 82 of 1,613,792 alleles (0.0051%); highest among the groups gnomAD compares: Non-Finnish European, 0.0066%; no homozygotes.

Submissions (5):

GeneDx
Classification: Uncertain significance. Last evaluated: 2025-01-23. Review status: criteria provided, single submitter. Criteria: GeneDx Variant Classification Process June 2021. Collection method: clinical testing. Allele origin: germline. Affected: yes.
Comment: Not observed at significant frequency in large population cohorts (gnomAD); In silico analysis supports that this missense variant has a deleterious effect on protein structure/function; Has not been previously published as pathogenic or benign to our knowledge; This variant is associated with the following publications: (PMID: 24438169)

Ambry Genetics
Classification: Uncertain significance for Inborn genetic diseases. Last evaluated: 2024-04-23. Review status: criteria provided, single submitter. Criteria: Ambry Variant Classification Scheme 2023. Collection method: clinical testing. Allele origin: germline.

Labcorp Genetics (formerly Invitae), Labcorp
Classification: Uncertain significance for Neuromuscular disease caused by qualitative or quantitative defects of dysferlin. Last evaluated: 2021-08-27. Review status: criteria provided, single submitter. Criteria: Invitae Variant Classification Sherloc (09022015). Collection method: clinical testing. Allele origin: germline.
Comment: This sequence change replaces isoleucine with phenylalanine at codon 485 of the DYSF protein (p.Ile485Phe). The isoleucine residue is moderately conserved and there is a small physicochemical difference between isoleucine and phenylalanine. This variant is present in population databases (rs765472161, ExAC 0.003%). This variant has not been reported in the literature in individuals affected with DYSF-related conditions. Algorithms developed to predict the effect of missense changes on protein structure and function are either unavailable or do not agree on the potential impact of this missense change (SIFT: "Deleterious"; PolyPhen-2: "Possibly Damaging"; Align-GVGD: "Class C0"). In summary, the available evidence is currently insufficient to determine the role of this variant in disease. Therefore, it has been classified as a Variant of Uncertain Significance.

Revvity Omics, Revvity
Classification: Uncertain significance. Last evaluated: 2020-08-03. Review status: criteria provided, single submitter. Criteria: ACMG Guidelines, 2015. Collection method: clinical testing. Allele origin: germline.

Natera, Inc.
Classification: Uncertain significance for Limb-girdle muscular dystrophy type 2B. Last evaluated: 2020-02-12. Review status: no assertion criteria provided. Collection method: clinical testing. Allele origin: germline. Not counted in ClinVar's aggregate classification.

NM_001130987.2(DYSF):c.1549A>T (p.Ile517Phe)

Gene: DYSF (dysferlin; plus strand). Cytogenetic location: 2p13.2.
Variant type: single nucleotide variant.
Coding change: c.1549A>T on transcript NM_001130987.2 (MANE Select); coding-DNA position 1549, A replaced by T.
Protein change: p.Ile517Phe; replaces isoleucine 517 with phenylalanine.
Molecular consequence: missense variant.
Genome position (GRCh38, 1-based): chr2:71,539,212, A>T. VCF-style: chr2-71539212-A-T. GRCh37 (hg19) VCF-style: chr2-71766342-A-T.
Other names: c.1456A>T, p.Ile486Phe (NM_001130455.2, NM_001130983.2, NM_001130984.2 and 1 more transcripts); c.1453A>T, p.Ile485Phe (NM_001130976.2, NM_001130977.2, NM_001130978.2 and 1 more transcripts); c.1546A>T, p.Ile516Phe (NM_001130979.2, NM_001130980.2, NM_001130981.2); c.1549A>T, p.Ile517Phe (NM_001130982.2, NM_001130985.2); short protein forms I486F, I517F, I485F, I516F.
Identifiers: ClinVar variation 659678 (VCV000659678.12), dbSNP rs765472161, ClinGen allele CA1705806.
Genomic context (GRCh38, chr2:71,539,212, plus strand): 5'-TCTAGGGACCGCCTGACTCACAATGACATCGTGGCTACCACCTACCTGAGTATGTCGAAA[A>T]TCTCTGCCCCTGGAGGAGAAATAGAAGGTATGTTCCCTCTTCGTTCTGCCCTTTGACCCC-3'
Protein context (NP_001124459.1, residues 507-527): VATTYLSMSK[Ile517Phe]SAPGGEIEVD